The following is an entry in ClinVar:

ClinVar aggregate classification (germline): Uncertain significance (1 of 4 stars; one submission).

gnomAD v4.1: 2 of 1,606,926 alleles (0.00012%); highest among the groups gnomAD compares: Non-Finnish European, 0.000085%; no homozygotes.

Submission:

Labcorp Genetics (formerly Invitae), Labcorp
Classification: Uncertain significance. Last evaluated: 2021-01-29. Review status: criteria provided, single submitter. Criteria: Invitae Variant Classification Sherloc (09022015). Collection method: clinical testing. Allele origin: germline.
Comment: In summary, the available evidence is currently insufficient to determine the role of this variant in disease. Therefore, it has been classified as a Variant of Uncertain Significance. Algorithms developed to predict the effect of missense changes on protein structure and function are either unavailable or do not agree on the potential impact of this missense change (SIFT: "Deleterious"; PolyPhen-2: "Possibly Damaging"; Align-GVGD: "Class C0"). This variant has not been reported in the literature in individuals with BCL11B-related conditions. This variant is not present in population databases (ExAC no frequency). This sequence change replaces glycine with arginine at codon 253 of the BCL11B protein (p.Gly253Arg). The glycine residue is moderately conserved and there is a moderate physicochemical difference between glycine and arginine.

NM_138576.4(BCL11B):c.757G>A (p.Gly253Arg)

Gene: BCL11B (BCL11 transcription factor B; minus strand). Cytogenetic location: 14q32.2.
Variant type: single nucleotide variant.
Coding change: c.757G>A on transcript NM_138576.4 (MANE Select); coding-DNA position 757, G replaced by A.
Protein change: p.Gly253Arg; replaces glycine 253 with arginine.
Molecular consequence: missense variant.
Genome position (GRCh38, 1-based): chr14:99,176,079, C>T on the plus strand (G>A on the coding strand, the complement: BCL11B is on the minus strand). VCF-style: chr14-99176079-C-T. GRCh37 (hg19) VCF-style: chr14-99642416-C-T.
Other names: c.754G>A, p.Gly252Arg (NM_001282237.2); c.541G>A, p.Gly181Arg (NM_001282238.2); c.544G>A, p.Gly182Arg (NM_022898.3); short protein forms G181R, G182R, G252R, G253R.
Identifiers: ClinVar variation 1505344 (VCV001505344.8), dbSNP rs755219654, ClinGen allele CA390936831.